The following is an entry in ClinVar:

ClinVar aggregate classification (germline): Uncertain significance (1 of 4 stars; one submission).

Conditions:
Cardiovascular phenotype. Identifiers: MedGen CN230736.

Submission:

Ambry Genetics
Classification: Uncertain significance for Cardiovascular phenotype. Last evaluated: 2025-04-14. Review status: criteria provided, single submitter. Criteria: Ambry Variant Classification Scheme 2023. Collection method: clinical testing. Allele origin: germline.
Comment: The p.E4417K variant (also known as c.13249G>A), located in coding exon 90 of the RYR2 gene, results from a G to A substitution at nucleotide position 13249. The glutamic acid at codon 4417 is replaced by lysine, an amino acid with similar properties. This amino acid position is not well conserved in available vertebrate species. In addition, the in silico prediction for this alteration is inconclusive. Based on the available evidence, the clinical significance of this variant remains unclear.

NM_001035.3(RYR2):c.13249G>A (p.Glu4417Lys)

Genes: RYR2 (ryanodine receptor 2; plus strand), LOC126806068 (BRD4-independent group 4 enhancer GRCh37_chr1:237947411-237948610; plus strand). Cytogenetic location: 1q43.
Variant type: single nucleotide variant.
Coding change: c.13249G>A on transcript NM_001035.3 (MANE Select); coding-DNA position 13249, G replaced by A.
Protein change: p.Glu4417Lys; replaces glutamic acid 4417 with lysine.
Molecular consequence: missense variant.
Genome position (GRCh38, 1-based): chr1:237,784,961, G>A. VCF-style: chr1-237784961-G-A. GRCh37 (hg19) VCF-style: chr1-237948261-G-A.
Other names: short protein forms E4417K.
Identifiers: ClinVar variation 3949055 (VCV003949055.1).